The following is an entry in ClinVar:

ClinVar aggregate classification (germline): Uncertain significance. Review status: criteria provided, multiple submitters, no conflicts (2 of 4 stars). 5 submissions from 5 submitters: Uncertain significance (5). Last evaluated 2026-03-04.

Conditions:
Arrhythmogenic cardiomyopathy with wooly hair and keratoderma. Also called: Arrhythmogenic cardiomyopathy with woolly hair and keratoderma; Dilated cardiomyopathy with woolly hair and keratoderma; Carvajal syndrome; PALMOPLANTAR KERATODERMA WITH LEFT VENTRICULAR CARDIOMYOPATHY AND WOOLLY HAIR. Identifiers: Orphanet 65282, MedGen C1854063, MONDO:0011581, OMIM 605676.
Arrhythmogenic right ventricular dysplasia 8 (ARVD8). Also called: Arrhythmogenic Right Ventricular Dysplasia/Cardiomyopathy 8; ARRHYTHMOGENIC RIGHT VENTRICULAR DYSPLASIA, FAMILIAL, 8; ARRHYTHMOGENIC RIGHT VENTRICULAR CARDIOMYOPATHY 8. Identifiers: MedGen C1843896, MONDO:0011831, OMIM 607450.
Cardiomyopathy (CMYO). Also called: Cardiomyopathies. Identifiers: Orphanet 167848, MedGen C0878544, MONDO:0004994, HP:0001638. Inheritance: Various modes of inheritance.

gnomAD v4.1: 23 of 1,614,164 alleles (0.0014%); highest among the groups gnomAD compares: Non-Finnish European, 0.0018%; no homozygotes.

Submissions (5):

GeneDx
Classification: Uncertain significance. Last evaluated: 2026-03-04. Review status: criteria provided, single submitter. Criteria: GeneDx Variant Classification Process June 2021. Collection method: clinical testing. Allele origin: germline.
Comment: Not observed at significant frequency in large population cohorts (gnomAD); In silico analysis supports that this missense variant has a deleterious effect on protein structure/function; Has not been previously published as pathogenic or benign to our knowledge

Labcorp Genetics (formerly Invitae), Labcorp
Classification: Uncertain significance for Arrhythmogenic cardiomyopathy with wooly hair and keratoderma; Arrhythmogenic right ventricular dysplasia 8. Last evaluated: 2026-01-14. Review status: criteria provided, single submitter. Criteria: Invitae Variant Classification Sherloc (09022015). Collection method: clinical testing. Allele origin: germline.
Comment: This sequence change replaces alanine, which is neutral and non-polar, with proline, which is neutral and non-polar, at codon 2691 of the DSP protein (p.Ala2691Pro). This variant is not present in population databases (gnomAD no frequency). This variant has not been reported in the literature in individuals affected with DSP-related conditions. ClinVar contains an entry for this variant (Variation ID: 1172080). An algorithm developed to predict the effect of missense changes on protein structure and function (PolyPhen-2) suggests that this variant is likely to be disruptive. In summary, the available evidence is currently insufficient to determine the role of this variant in disease. Therefore, it has been classified as a Variant of Uncertain Significance.

All of Us Research Program, National Institutes of Health
Classification: Uncertain significance for Arrhythmogenic cardiomyopathy with wooly hair and keratoderma. Last evaluated: 2023-06-28. Review status: criteria provided, single submitter. Criteria: ACMG Guidelines, 2015. Collection method: clinical testing. Allele origin: germline. Inheritance: Autosomal dominant inheritance. Observed: 1 variant allele, 1 heterozygote.
Comment: This study involves interpretation of variants in research participants for the purpose of population health screening. Participant phenotype was not available at the time of variant classification. Additional details can be found in publication PMID: 35346344, PMCID: PMC8962531

Victorian Clinical Genetics Services, Murdoch Childrens Research Institute
Classification: Uncertain significance for Arrhythmogenic right ventricular dysplasia 8. Last evaluated: 2022-02-02. Review status: criteria provided, single submitter. Criteria: ACMG Guidelines, 2015. Collection method: clinical testing. Allele origin: germline. Affected: yes.
Comment: Based on the classification scheme VCGS_Germline_v1.3.4, this variant is classified as VUS-3B. Following criteria are met: 0102 - Loss of function is a known mechanism of disease in this gene and is associated with ARVC (MIM#607450) and other DSP-related cardiac disorders. (I) 0108 - This gene is associated with both recessive and dominant disease. Variants in this gene are usually inherited in a dominant manner, however rare reports of recessive inheritance have resulted in a more severe cardiac phenotype (OMIM). (I) 0115 - Variants in this gene are known to have variable expressivity. Age-dependent penetrance and variable expressivity are well-described aspects of arrhythmogenic cardiomyopathy (PMID: 29062697). (I) 0200 - Variant is predicted to result in a missense amino acid change from alanine to proline. (I) 0251 - This variant is heterozygous. (I) 0301 - Variant is absent from gnomAD (both v2 and v3). (SP) 0502 - Missense variant with conflicting in silico predictions and uninformative conservation. (I) 0604 - Variant is not located in an established domain, motif, hotspot or informative constraint region. (I) 0705 - No comparable missense variants have previous evidence for pathogenicity. (I) 0809 - Previous evidence of pathogenicity for this variant is inconclusive. This variant has been reported once as a VUS in an individual with cardiomyopathy (ClinVar). (I) 0905 - No published segregation evidence has been identified for this variant. (I) 1007 - No published functional evidence has been identified for this variant. (I) 1208 - Inheritance information for this variant is not currently available in this individual. (I) Legend: (SP) - Supporting pathogenic, (I) - Information, (SB) - Supporting benign

Color Diagnostics, LLC DBA Color Health
Classification: Uncertain significance for Cardiomyopathy. Last evaluated: 2020-10-19. Review status: criteria provided, single submitter. Criteria: ACMG Guidelines, 2015. Collection method: clinical testing. Allele origin: germline.
Comment: This missense variant replaces alanine with proline at codon 2691 of the DSP protein. Computational prediction suggests that this variant may have deleterious impact on protein structure and function (internally defined REVEL score threshold >= 0.7, PMID: 27666373). To our knowledge, functional studies have not been reported for this variant. This variant has not been reported in individuals affected with cardiovascular disorders in the literature. This variant has not been identified in the general population by the Genome Aggregation Database (gnomAD). The available evidence is insufficient to determine the role of this variant in disease conclusively. Therefore, this variant is classified as a Variant of Uncertain Significance.

Literature cited by the submitters: PubMed 29062697 (cited by Victorian Clinical Genetics Services, Murdoch Childrens Research Institute).

NM_004415.4(DSP):c.8071G>C (p.Ala2691Pro)

Gene: DSP (desmoplakin; plus strand). Cytogenetic location: 6p24.3.
Variant type: single nucleotide variant.
Coding change: c.8071G>C on transcript NM_004415.4 (MANE Select); coding-DNA position 8071, G replaced by C.
Protein change: p.Ala2691Pro; replaces alanine 2691 with proline.
Molecular consequence: missense variant.
Genome position (GRCh38, 1-based): chr6:7,585,333, G>C. VCF-style: chr6-7585333-G-C. GRCh37 (hg19) VCF-style: chr6-7585566-G-C.
Other names: c.6274G>C, p.Ala2092Pro (NM_001008844.3); c.6742G>C, p.Ala2248Pro (NM_001319034.2); short protein forms A2092P, A2248P, A2691P.
Identifiers: ClinVar variation 1172080 (VCV001172080.13), dbSNP rs1006955897, ClinGen allele CA133977154.
Genomic context (GRCh38, chr6:7,585,333, plus strand): 5'-CTTCAGGACGCAGTCTCCCAGGGTGTGATTGACCAAGACATGGCCACCAGGCTGAAGCCT[G>C]CTCAGAAAGCCTTCATAGGCTTCGAGGGTGTGAAGGGAAAGAAGAAGATGTCAGCAGCAG-3'
Protein context (NP_004406.2, residues 2681-2701): DQDMATRLKP[Ala2691Pro]QKAFIGFEGV